The following is an entry in ClinVar:

ClinVar aggregate classification (germline): Uncertain significance (1 of 4 stars; one submission).

Conditions:
Joubert syndrome 23 (JBTS23). Identifiers: Orphanet 475, MedGen C4084822, MONDO:0014664, OMIM 616490.
Short-rib thoracic dysplasia 14 with polydactyly (SRTD14). Identifiers: Orphanet 397715, MedGen C4225286, MONDO:0014688, OMIM 616546.

Allele frequency attached by ClinVar (database versions not stated): TOPMed below 0.00001; gnomAD 0.00001.
gnomAD v4.1: 1 of 1,608,676 alleles (0.000062%); highest among the groups gnomAD compares: Non-Finnish European, 0.000085%; no homozygotes.

Submission:

Labcorp Genetics (formerly Invitae), Labcorp
Classification: Uncertain significance for Joubert syndrome 23; Short-rib thoracic dysplasia 14 with polydactyly. Last evaluated: 2022-04-26. Review status: criteria provided, single submitter. Criteria: Invitae Variant Classification Sherloc (09022015). Collection method: clinical testing. Allele origin: germline.
Comment: In summary, the available evidence is currently insufficient to determine the role of this variant in disease. Therefore, it has been classified as a Variant of Uncertain Significance. Algorithms developed to predict the effect of missense changes on protein structure and function output the following: SIFT: "Tolerated"; PolyPhen-2: "Benign"; Align-GVGD: "Class C0". The valine amino acid residue is found in multiple mammalian species, which suggests that this missense change does not adversely affect protein function. This variant has not been reported in the literature in individuals affected with KIAA0586-related conditions. This variant is not present in population databases (gnomAD no frequency). This sequence change replaces alanine, which is neutral and non-polar, with valine, which is neutral and non-polar, at codon 1079 of the KIAA0586 protein (p.Ala1079Val).

NM_001329943.3(KIAA0586):c.3077C>T (p.Ala1026Val)

Gene: KIAA0586 (KIAA0586; plus strand). Cytogenetic location: 14q23.1.
Variant type: single nucleotide variant.
Coding change: c.3077C>T on transcript NM_001329943.3 (MANE Select); coding-DNA position 3077, C replaced by T.
Protein change: p.Ala1026Val; replaces alanine 1026 with valine.
Molecular consequence: missense variant.
Genome position (GRCh38, 1-based): chr14:58,482,645, C>T. VCF-style: chr14-58482645-C-T. GRCh37 (hg19) VCF-style: chr14-58949363-C-T.
Other names: c.3236C>T, p.Ala1079Val (NM_001244189.2); c.3032C>T, p.Ala1011Val (NM_001244190.2); c.2822C>T, p.Ala941Val (NM_001244191.2, NM_001329945.2, NM_001364700.1 and 1 more transcripts); c.2945C>T, p.Ala982Val (NM_001244192.2); c.2657C>T, p.Ala886Val (NM_001244193.2); c.3077C>T, p.Ala1026Val (NM_001329944.2, NM_001329946.2, NM_001329947.2); c.2849C>T, p.Ala950Val (NM_014749.5); short protein forms A1011V, A1026V, A1079V, A950V, A982V, A886V, A941V.
Identifiers: ClinVar variation 2037391 (VCV002037391.4), dbSNP rs1566872716, ClinGen allele CA389880007.